The following is an entry in ClinVar:

ClinVar aggregate classification (germline): Uncertain significance. Review status: criteria provided, multiple submitters, no conflicts (2 of 4 stars). 5 submissions from 5 submitters: Uncertain significance (5). Last evaluated 2025-08-06.

Conditions:
IFT140-related disorder. Also called: IFT140-related condition.
Retinal dystrophy. Also called: Inherited retinal dystrophy. Identifiers: Orphanet 71862, MedGen C0854723, MeSH D058499, MONDO:0019118, HP:0000556.
Saldino-Mainzer syndrome (SRTD9). Also called: SHORT-RIB THORACIC DYSPLASIA 9 WITHOUT POLYDACTYLY; CONORENAL SYNDROME; short-rib thoracic dysplasia 9 with or without polydactyly; Renal dysplasia, retinal pigmentary dystrophy, cerebellar ataxia and skeletal dysplasia. Identifiers: Orphanet 140969, MedGen C1849437, MONDO:0009964, OMIM 266920.
Retinitis pigmentosa 80 (RP80). Identifiers: MedGen C4540439, MONDO:0054708, OMIM 617781.

Allele frequency attached by ClinVar (database versions not stated): gnomAD 0.00001 and 0.00002; gnomAD exomes 0.00002 and 0.00003; TOPMed 0.00002; ExAC 0.00004.
gnomAD v4.1: 35 of 1,607,588 alleles (0.0022%); highest among the groups gnomAD compares: Middle Eastern, 0.017%; no homozygotes.

Submissions (5):

Labcorp Genetics (formerly Invitae), Labcorp
Classification: Uncertain significance for Saldino-Mainzer syndrome. Last evaluated: 2025-08-06. Review status: criteria provided, single submitter. Criteria: Invitae Variant Classification Sherloc (09022015). Collection method: clinical testing. Allele origin: germline.
Comment: This sequence change replaces valine, which is neutral and non-polar, with methionine, which is neutral and non-polar, at codon 1423 of the IFT140 protein (p.Val1423Met). This variant is present in population databases (rs756711276, gnomAD 0.009%). This variant has not been reported in the literature in individuals affected with IFT140-related conditions. ClinVar contains an entry for this variant (Variation ID: 1007047). Invitae Evidence Modeling of protein sequence and biophysical properties (such as structural, functional, and spatial information, amino acid conservation, physicochemical variation, residue mobility, and thermodynamic stability) indicates that this missense variant is not expected to disrupt IFT140 protein function with a negative predictive value of 80%. In summary, the available evidence is currently insufficient to determine the role of this variant in disease. Therefore, it has been classified as a Variant of Uncertain Significance.

PreventionGenetics, part of Exact Sciences
Classification: Uncertain significance for IFT140-related condition. Last evaluated: 2025-03-14. Review status: criteria provided, single submitter. Criteria: ACMG Guidelines, 2015. Collection method: clinical testing. Allele origin: germline.
Comment: The IFT140 c.4267G>A variant is predicted to result in the amino acid substitution p.Val1423Met. To our knowledge, this variant has not been reported in the literature. This variant is reported in 0.0068% of alleles in individuals of South Asian descent in gnomAD. At this time, the clinical significance of this variant is uncertain due to the absence of conclusive functional and genetic evidence.

Dept Of Ophthalmology, Nagoya University
Classification: Uncertain significance for Retinal dystrophy. Last evaluated: 2023-10-01. Review status: criteria provided, single submitter. Criteria: Submitter's publication. Collection method: research. Allele origin: germline. Affected: yes.

Blueprint Genetics
Classification: Uncertain significance. Last evaluated: 2022-08-04. Review status: criteria provided, single submitter. Criteria: ACMG Guidelines, 2015. Collection method: clinical testing. Allele origin: germline.

Fulgent Genetics
Classification: Uncertain significance for Saldino-Mainzer syndrome; Retinitis pigmentosa 80. Last evaluated: 2021-10-16. Review status: criteria provided, single submitter. Criteria: ACMG Guidelines, 2015. Collection method: clinical testing. Allele origin: unknown.

NM_014714.4(IFT140):c.4267G>A (p.Val1423Met)

Gene: IFT140 (intraflagellar transport 140; minus strand). Cytogenetic location: 16p13.3.
Variant type: single nucleotide variant.
Coding change: c.4267G>A on transcript NM_014714.4 (MANE Select); coding-DNA position 4267, G replaced by A.
Protein change: p.Val1423Met; replaces valine 1423 with methionine.
Molecular consequence: missense variant.
Genome position (GRCh38, 1-based): chr16:1,511,066, C>T on the plus strand (G>A on the coding strand, the complement: IFT140 is on the minus strand). VCF-style: chr16-1511066-C-T. GRCh37 (hg19) VCF-style: chr16-1561067-C-T.
Other names: c.4267G>A (NM_014714.3); short protein forms V1423M.
Identifiers: ClinVar variation 1007047 (VCV001007047.8), dbSNP rs756711276, ClinGen allele CA7812806.
Genomic context (GRCh38, chr16:1,511,066, plus strand): 5'-TGTTGTGGCGGACCTGCTCGGGGACGGTGCGTGGCAGTGGGAGACCCAGCCCCCGGTGCA[C>T]GGCGTCCACGGCCTGCGGGCTCACGTAGTAGGACATGTTGGCCAAGGGAAGCCGCCGCCG-3'
Protein context (NP_055529.2, residues 1413-1433): YYVSPQAVDA[Val1423Met]HRGLGLPLPR